The following is an entry in ClinVar:

NC_012920.1(MT-ATP6):m.9160T>C

Gene: MT-ATP6 (mitochondrially encoded ATP synthase 6; plus strand).
Variant type: single nucleotide variant.
Genome position: chrM-9160-T-C.
Identifiers: ClinVar variation 693112 (VCV000693112.1), dbSNP rs1603222140, ClinGen allele CA414802327.

ClinVar aggregate classification (germline): Uncertain significance (1 of 4 stars; one submission).

Conditions:
Leigh syndrome (NULS). Also called: Leigh's necrotizing encephalopathy; Leigh's disease; Leigh Syndrome (mtDNA deletion); Leigh Disease; Subacute necrotizing encephalopathy; Necrotizing encephalopathy infantile subacute of Leigh. Identifiers: Orphanet 506, MedGen C2931891, MONDO:0009723, OMIM 256000.

Submission:

Wong Mito Lab, Molecular and Human Genetics, Baylor College of Medicine
Classification: Uncertain significance for Leigh syndrome. Last evaluated: 2019-10-17. Review status: criteria provided, single submitter. Criteria: Modified ACMG Guidelines (Unpublished). Collection method: clinical testing. Allele origin: germline.
Comment: The NC_012920.1:m.9160T>C (YP_003024031.1:p.Tyr212His) variant in MTATP6 gene is interpretated to be a Uncertain Significance variant based on the modified ACMG guidelines (unpublished). This variant meets the following evidence codes: PP3